The following is an entry in ClinVar:

NM_000059.4(BRCA2):c.9257-11T>G

Gene: BRCA2 (BRCA2 DNA repair associated; plus strand). Cytogenetic location: 13q13.1.
Variant type: single nucleotide variant.
Coding change: c.9257-11T>G on transcript NM_000059.4 (MANE Select); 11 bases into the intron before coding-DNA position 9257, T replaced by G.
Molecular consequence: intron variant.
Genome position (GRCh38, 1-based): chr13:32,394,678, T>G. VCF-style: chr13-32394678-T-G. GRCh37 (hg19) VCF-style: chr13-32968815-T-G.
Identifiers: ClinVar variation 736543 (VCV000736543.10), dbSNP rs1593199545, ClinGen allele CA915948624.

ClinVar aggregate classification (germline): Conflicting classifications of pathogenicity. Review status: criteria provided, conflicting classifications (1 of 4 stars). 3 submissions from 3 submitters: Uncertain significance (1); Likely benign (2). Last evaluated 2026-03-30.

Conditions:
Hereditary breast ovarian cancer syndrome. Also called: Hereditary breast and ovarian cancer syndrome; Breast and ovarian cancer; BRCA1- and BRCA2-Associated Hereditary Breast and Ovarian Cancer; Hereditary breast and ovarian cancer; Hereditary breast and ovarian cancer syndrome (HBOC); Hereditary breast and/or ovarian cancer syndrome. Identifiers: Orphanet 145, MedGen C0677776, MeSH D061325, MONDO:0003582. Disease mechanism: loss of function.

Submissions (3):

Women's Health and Genetics/Laboratory Corporation of America, LabCorp
Classification: Likely benign. Last evaluated: 2026-03-30. Review status: criteria provided, single submitter. Criteria: LabCorp Variant Classification Summary - May 2015. Collection method: clinical testing. Allele origin: germline.
Comment: Variant summary: BRCA2 c.9257-11T>G alters a nucleotide located at a position not widely known to affect splicing. Consensus agreement among computation tools predict no significant impact on normal splicing. However, these predictions have yet to be confirmed by functional studies. The frequency data for this variant in gnomAD is considered unreliable, as metrics indicate poor data quality at this position. To our knowledge, no occurrence of c.9257-11T>G in individuals affected with BRCA2-related conditions and no experimental evidence demonstrating its impact on protein function have been reported. ClinVar contains an entry for this variant (Variation ID: 736543). Based on the evidence outlined above, the variant was classified as likely benign.

GeneDx
Classification: Uncertain significance. Last evaluated: 2023-05-22. Review status: criteria provided, single submitter. Criteria: GeneDx Variant Classification Process June 2021. Collection method: clinical testing. Allele origin: germline. Affected: yes.
Comment: Not observed at significant frequency in large population cohorts (gnomAD); In silico analysis supports that this variant does not alter splicing; Has not been previously published as pathogenic or benign to our knowledge; Also known as 9485-11T>G

Labcorp Genetics (formerly Invitae), Labcorp
Classification: Likely benign for Hereditary breast ovarian cancer syndrome. Last evaluated: 2022-01-17. Review status: criteria provided, single submitter. Criteria: Invitae Variant Classification Sherloc (09022015). Collection method: clinical testing. Allele origin: germline.